The following is an entry in ClinVar:

ClinVar aggregate classification (germline): Uncertain significance (1 of 4 stars; one submission).

Conditions:
Dilated cardiomyopathy 1HH (CMD1HH). Identifiers: Orphanet 154, MedGen C3151293, MONDO:0013479, OMIM 613881.
Myofibrillar myopathy 6. Identifiers: Orphanet 199340, MedGen C2751831, MONDO:0013061, OMIM 612954.

gnomAD v4.1: 1 of 1,614,190 alleles (0.000062%); highest among the groups gnomAD compares: Non-Finnish European, 0.000085%; no homozygotes.

Submission:

Labcorp Genetics (formerly Invitae), Labcorp
Classification: Uncertain significance for Dilated cardiomyopathy 1HH; Myofibrillar myopathy 6. Last evaluated: 2024-02-22. Review status: criteria provided, single submitter. Criteria: Invitae Variant Classification Sherloc (09022015). Collection method: clinical testing. Allele origin: germline.
Comment: This sequence change replaces arginine, which is basic and polar, with lysine, which is basic and polar, at codon 75 of the BAG3 protein (p.Arg75Lys). This variant is not present in population databases (gnomAD no frequency). This variant has not been reported in the literature in individuals affected with BAG3-related conditions. Advanced modeling of protein sequence and biophysical properties (such as structural, functional, and spatial information, amino acid conservation, physicochemical variation, residue mobility, and thermodynamic stability) performed at Invitae indicates that this missense variant is not expected to disrupt BAG3 protein function with a negative predictive value of 80%. In summary, the available evidence is currently insufficient to determine the role of this variant in disease. Therefore, it has been classified as a Variant of Uncertain Significance.

NM_004281.4(BAG3):c.224G>A (p.Arg75Lys)

Gene: BAG3 (BAG cochaperone 3; plus strand). Cytogenetic location: 10q26.11.
Variant type: single nucleotide variant.
Coding change: c.224G>A on transcript NM_004281.4 (MANE Select); coding-DNA position 224, G replaced by A.
Protein change: p.Arg75Lys; replaces arginine 75 with lysine.
Molecular consequence: missense variant.
Genome position (GRCh38, 1-based): chr10:119,669,894, G>A. VCF-style: chr10-119669894-G-A. GRCh37 (hg19) VCF-style: chr10-121429406-G-A.
Other names: short protein forms R75K.
Identifiers: ClinVar variation 3754861 (VCV003754861.2).